The following is an entry in ClinVar:

ClinVar aggregate classification (germline): Benign/Likely benign. Review status: criteria provided, multiple submitters, no conflicts (2 of 4 stars). 2 submissions from 2 submitters: Benign (1); Likely benign (1). Last evaluated 2026-02-01.

Conditions:
Cataract 10 multiple types. Also called: CATARACT 10, CONGENITAL ZONULAR, WITH SUTURAL OPACITIES. Identifiers: Orphanet 91492, MedGen C1833229, MONDO:0010948, OMIM 600881.

Allele frequency attached by ClinVar (database versions not stated): gnomAD exomes 0.00021 and 0.00054; ExAC 0.00073; 1000 Genomes Project 30x 0.00078; 1000 Genomes Project 0.00080; gnomAD 0.00214 and 0.00236; ESP Exome Variant Server 0.00246; TOPMed 0.00255.
gnomAD v4.1: 626 of 1,610,626 alleles (0.039%); highest among the groups gnomAD compares: African/African-American, 0.8%; 2 homozygotes.

Submissions (2):

CeGaT Center for Human Genetics Tuebingen
Classification: Likely benign. Last evaluated: 2026-02-01. Review status: criteria provided, single submitter. Criteria: CeGaT Center For Human Genetics Tuebingen Variant Classification Criteria Version 2. Collection method: clinical testing. Allele origin: germline. Affected: yes. Observed: 1 variant allele.
Comment: CRYBA1: BS1

Labcorp Genetics (formerly Invitae), Labcorp
Classification: Benign for Cataract 10 multiple types. Last evaluated: 2022-08-18. Review status: criteria provided, single submitter. Criteria: Invitae Variant Classification Sherloc (09022015). Collection method: clinical testing. Allele origin: germline.

NM_005208.5(CRYBA1):c.89C>T (p.Pro30Leu)

Gene: CRYBA1 (crystallin beta A1; plus strand). Cytogenetic location: 17q11.2.
Variant type: single nucleotide variant.
Coding change: c.89C>T on transcript NM_005208.5 (MANE Select); coding-DNA position 89, C replaced by T.
Protein change: p.Pro30Leu; replaces proline 30 with leucine.
Molecular consequence: missense variant.
Genome position (GRCh38, 1-based): chr17:29,249,199, C>T. VCF-style: chr17-29249199-C-T. GRCh37 (hg19) VCF-style: chr17-27576217-C-T.
Other names: short protein forms P30L.
Identifiers: ClinVar variation 702784 (VCV000702784.12), dbSNP rs144800101, ClinGen allele CA8473656.